The following is an entry in ClinVar:

NM_144991.3(TSPEAR):c.1746C>T (p.Leu582=)

Genes: TSPEAR (thrombospondin type laminin G domain and EAR repeats; minus strand), TSPEAR-AS1 (TSPEAR antisense RNA 1; plus strand), LOC126653398 (CDK7 strongly-dependent group 2 enhancer GRCh37_chr21:45928270-45929469; plus strand). Cytogenetic location: 21q22.3.
Variant type: single nucleotide variant.
Coding change: c.1746C>T on transcript NM_144991.3 (MANE Select); coding-DNA position 1746, C replaced by T.
Protein change: p.Leu582=; no amino-acid change (leucine 582 retained).
Molecular consequence: synonymous variant.
Genome position (GRCh38, 1-based): chr21:44,509,207, G>A on the plus strand (C>T on the coding strand, the complement: TSPEAR is on the minus strand). VCF-style: chr21-44509207-G-A. GRCh37 (hg19) VCF-style: chr21-45929090-G-A.
Other names: c.1542C>T, p.Leu514= (NM_001272037.2).
Identifiers: ClinVar variation 504823 (VCV000504823.22), dbSNP rs147258456, ClinGen allele CA10056397.
Genomic context (GRCh38, chr21:44,509,207, plus strand): 5'-GTGGGCCTCCCAGAGATCAGCCCACCTCCCACTGGCCTGTGGAGGCGCATACCTGCAGGT[G>A]AGAATGTCCTGGAACTTGACAAAGGCCTGCGCGGTCACGTTCAGCTCGTAGATGACGGAG-3'
Protein context (NP_659428.2, residues 572-592): AQAFVKFQDI[Leu582=]TCSALDWEFF

ClinVar aggregate classification (germline): Benign/Likely benign. Review status: criteria provided, multiple submitters, no conflicts (2 of 4 stars). 5 submissions from 5 submitters: Benign (4); Likely benign (1). Last evaluated 2026-02-01.

Allele frequency attached by ClinVar (database versions not stated): 1000 Genomes Project 30x 0.00062; 1000 Genomes Project 0.00080; TOPMed 0.00133; ESP Exome Variant Server 0.00223; gnomAD exomes 0.00235 and 0.00325; gnomAD 0.00241 and 0.00254; ExAC 0.00400.
gnomAD v4.1: 3,781 of 1,613,766 alleles (0.23%); highest among the groups gnomAD compares: Non-Finnish European, 0.22%; 16 homozygotes.

Submissions (5):

CeGaT Center for Human Genetics Tuebingen
Classification: Likely benign. Last evaluated: 2026-02-01. Review status: criteria provided, single submitter. Criteria: CeGaT Center For Human Genetics Tuebingen Variant Classification Criteria Version 2. Collection method: clinical testing. Allele origin: germline. Affected: yes. Observed: 1 variant allele.
Comment: TSPEAR: BP4, BP7

Labcorp Genetics (formerly Invitae), Labcorp
Classification: Benign. Last evaluated: 2025-10-13. Review status: criteria provided, single submitter. Criteria: Invitae Variant Classification Sherloc (09022015). Collection method: clinical testing. Allele origin: germline.

GeneDx
Classification: Benign. Last evaluated: 2020-04-30. Review status: criteria provided, single submitter. Criteria: GeneDx Variant Classification Process June 2021. Collection method: clinical testing. Allele origin: germline. Affected: yes.

Laboratory for Molecular Medicine, Mass General Brigham Personalized Medicine
Classification: Benign. Last evaluated: 2014-11-24. Review status: criteria provided, single submitter. Criteria: LMM Criteria. Collection method: clinical testing. Allele origin: germline. Observed: 3 variant alleles.
Comment: Leu582Leu in exon 10 of TSPEAR: This variant is not expected to have clinical si gnificance because it does not alter an amino acid residue and is not located wi thin the splice consensus sequence. It has been identified in 0.3% (26/8600) of European American chromosomes from a broad population by the NHLBI Exome Sequenc ing Project (dbSNP rs147258456).

Breakthrough Genomics
Classification: Benign. Review status: criteria provided, single submitter. Criteria: ACMG Guidelines, 2015. Collection method: not provided. Allele origin: germline. Inheritance: Autosomal recessive inheritance. Affected: yes.